The following is an entry in ClinVar:

ClinVar aggregate classification (germline): Uncertain significance (1 of 4 stars; one submission).

gnomAD v4.1: 3 of 1,613,844 alleles (0.00019%); highest among the groups gnomAD compares: South Asian, 0.0022%; no homozygotes.

Submission:

Ambry Genetics
Classification: Uncertain significance. Last evaluated: 2025-12-26. Review status: criteria provided, single submitter. Criteria: Ambry Variant Classification Scheme 2023. Collection method: clinical testing. Allele origin: germline.
Comment: The p.I101T variant (also known as c.302T>C), located in coding exon 3 of the SRP72 gene, results from a T to C substitution at nucleotide position 302. The isoleucine at codon 101 is replaced by threonine, an amino acid with similar properties. This amino acid position is conserved. In addition, this alteration is predicted to be deleterious by in silico analysis. Based on the available evidence, the clinical significance of this variant remains unclear.

NM_006947.4(SRP72):c.302T>C (p.Ile101Thr)

Gene: SRP72 (signal recognition particle 72; plus strand). Cytogenetic location: 4q12.
Variant type: single nucleotide variant.
Coding change: c.302T>C on transcript NM_006947.4 (MANE Select); coding-DNA position 302, T replaced by C.
Protein change: p.Ile101Thr; replaces isoleucine 101 with threonine.
Molecular consequence: missense variant. On other transcripts: non-coding transcript variant (1).
Genome position (GRCh38, 1-based): chr4:56,471,791, T>C. VCF-style: chr4-56471791-T-C. GRCh37 (hg19) VCF-style: chr4-57337957-T-C.
Other names: c.302T>C, p.Ile101Thr (NM_001267722.2); short protein forms I101T.
Identifiers: ClinVar variation 4841453 (VCV004841453.1).